The following is an entry in ClinVar:

NM_031475.3(ESPN):c.2038G>A (p.Gly680Ser)

Gene: ESPN (espin; plus strand). Cytogenetic location: 1p36.31.
Variant type: single nucleotide variant.
Coding change: c.2038G>A on transcript NM_031475.3 (MANE Select); coding-DNA position 2038, G replaced by A.
Protein change: p.Gly680Ser; replaces glycine 680 with serine.
Molecular consequence: missense variant.
Genome position (GRCh38, 1-based): chr1:6,451,725, G>A. VCF-style: chr1-6451725-G-A. GRCh37 (hg19) VCF-style: chr1-6511785-G-A.
Other names: c.1948G>A, p.Gly650Ser (NM_001367473.1); c.1975G>A, p.Gly659Ser (NM_001367474.1); short protein forms G680S, G650S, G659S.
Identifiers: ClinVar variation 1380514 (VCV001380514.6), dbSNP rs2148538526, ClinGen allele CA338099212.

ClinVar aggregate classification (germline): Uncertain significance (1 of 4 stars; one submission).

gnomAD v4.1: 1 of 1,612,732 alleles (0.000062%); highest among the groups gnomAD compares: Non-Finnish European, 0.000085%; no homozygotes.

Submission:

Labcorp Genetics (formerly Invitae), Labcorp
Classification: Uncertain significance. Last evaluated: 2021-09-10. Review status: criteria provided, single submitter. Criteria: Invitae Variant Classification Sherloc (09022015). Collection method: clinical testing. Allele origin: germline.
Comment: This sequence change replaces glycine with serine at codon 680 of the ESPN protein (p.Gly680Ser). The glycine residue is highly conserved and there is a small physicochemical difference between glycine and serine. This variant is not present in population databases (ExAC no frequency). This variant has not been reported in the literature in individuals affected with ESPN-related conditions. Algorithms developed to predict the effect of missense changes on protein structure and function are either unavailable or do not agree on the potential impact of this missense change (SIFT: "Tolerated"; PolyPhen-2: "Possibly Damaging"; Align-GVGD: "Class C0"). In summary, the available evidence is currently insufficient to determine the role of this variant in disease. Therefore, it has been classified as a Variant of Uncertain Significance.